The following is an entry in ClinVar:

ClinVar aggregate classification (germline): Uncertain significance (1 of 4 stars; one submission).

Conditions:
Dilated cardiomyopathy 1DD (CMD1DD). Identifiers: Orphanet 154, MedGen C2750995, MONDO:0013168, OMIM 613172.

Submission:

Labcorp Genetics (formerly Invitae), Labcorp
Classification: Uncertain significance for Dilated cardiomyopathy 1DD. Last evaluated: 2025-06-18. Review status: criteria provided, single submitter. Criteria: Invitae Variant Classification Sherloc (09022015). Collection method: clinical testing. Allele origin: germline.
Comment: This sequence change replaces glutamic acid, which is acidic and polar, with glutamine, which is neutral and polar, at codon 756 of the RBM20 protein (p.Glu756Gln). This variant is not present in population databases (gnomAD no frequency). This variant has not been reported in the literature in individuals affected with RBM20-related conditions. Invitae Evidence Modeling of protein sequence and biophysical properties (such as structural, functional, and spatial information, amino acid conservation, physicochemical variation, residue mobility, and thermodynamic stability) indicates that this missense variant is not expected to disrupt RBM20 protein function with a negative predictive value of 95%. In summary, the available evidence is currently insufficient to determine the role of this variant in disease. Therefore, it has been classified as a Variant of Uncertain Significance.

NM_001134363.3(RBM20):c.2266G>C (p.Glu756Gln)

Gene: RBM20 (RNA binding motif protein 20; plus strand). Cytogenetic location: 10q25.2.
Variant type: single nucleotide variant.
Coding change: c.2266G>C on transcript NM_001134363.3 (MANE Select); coding-DNA position 2266, G replaced by C.
Protein change: p.Glu756Gln; replaces glutamic acid 756 with glutamine.
Molecular consequence: missense variant.
Genome position (GRCh38, 1-based): chr10:110,812,663, G>C. VCF-style: chr10-110812663-G-C. GRCh37 (hg19) VCF-style: chr10-112572421-G-C.
Other names: short protein forms E756Q.
Identifiers: ClinVar variation 4806837 (VCV004806837.1).